The following is an entry in ClinVar:

ClinVar aggregate classification (germline): Likely pathogenic (1 of 4 stars; one submission).

Conditions:
Biotinidase deficiency. Also called: Biotin deficiency; BTD deficiency; Late-onset biotin-responsive multiple carboxylase deficiency. Identifiers: Orphanet 79241, MedGen C0220754, MONDO:0009665, OMIM 253260.

Submission:

Neuberg Centre For Genomic Medicine, NCGM
Classification: Likely pathogenic for Biotinidase deficiency. Review status: criteria provided, single submitter. Criteria: ACMG Guidelines, 2015. Collection method: clinical testing. Allele origin: germline. Inheritance: Autosomal recessive inheritance. Affected: yes.
Comment: The frameshift variant c.91_92delp.Asp31ProfsTer5 in BTD gene has not been reported previously as a pathogenic variant nor as a benign variant, to our knowledge. The variant is novel not in any individuals in gnomAD Exomes and 1000 Genomes. This variant causes a frameshift starting with codon Aspartic Acid 31, changes this amino acid to Proline residue, and creates a premature Stop codon at position 5 of the new reading frame, denoted p.Asp31ProfsTer5.This variant is predicted to cause loss of normal protein function through protein truncation. Loss of function variants have been previously reported to be disease causing Wolf B, et al., 2005. For these reasons, this variant has been classified as Likely Pathogenic.

NM_001370658.1(BTD):c.91_92del (p.Asp31fs)

Gene: BTD (biotinidase; plus strand). Cytogenetic location: 3p25.1.
Variant type: Deletion.
Coding change: c.91_92del on transcript NM_001370658.1 (MANE Select); coding-DNA positions 91 to 92, 2 bases deleted (GA; older notation c.91_92delGA).
Protein change: p.Asp31fs; shifts the reading frame from aspartic acid 31.
Molecular consequence: frameshift variant.
Genome position (GRCh38, 1-based): chr3:15,635,530-15,635,531, GA deleted. VCF-style (leftmost placement, unchanged base first): chr3-15635529-TGA-T. GRCh37 (hg19) VCF-style: chr3-15677036-TGA-T.
Other names: c.91_92del, p.Asp31fs (NM_001407386.1, NM_001407388.1, NM_001407390.1 and 37 more transcripts); c.151_152delGA, p.Asp51Profs (NM_000060.4); short protein forms D31fs.
Identifiers: ClinVar variation 3234871 (VCV003234871.1), dbSNP rs2471440173, ClinGen allele CA2825001182.
Genomic context (GRCh38, chr3:15,635,529, plus strand): 5'-TTTCCTCTGCGGCTGTTACGTGGTTGCCCTGGGAGCCCACACCGGGGAGGAGAGCGTGGC[TGA>T]CCATCACGAGGCTGAATATTATGTGGCTGCCGTGTATGAGCATCCATCCATCCTGAGTCT-3'